The following is an entry in ClinVar:

NM_020207.7(ERCC6L2):c.1033G>A (p.Ala345Thr)

Gene: ERCC6L2 (ERCC excision repair 6 like 2; plus strand). Cytogenetic location: 9q22.32.
Variant type: single nucleotide variant.
Coding change: c.1033G>A on transcript NM_020207.7 (MANE Select); coding-DNA position 1033, G replaced by A.
Protein change: p.Ala345Thr; replaces alanine 345 with threonine.
Molecular consequence: missense variant. On other transcripts: non-coding transcript variant (1).
Genome position (GRCh38, 1-based): chr9:95,916,309, G>A. VCF-style: chr9-95916309-G-A. GRCh37 (hg19) VCF-style: chr9-98678591-G-A.
Other names: c.1033G>A, p.Ala345Thr (NM_001010895.4, NM_001375291.1, NM_001375292.1 and 2 more transcripts); short protein forms A345T.
Identifiers: ClinVar variation 3510027 (VCV003510027.3).

ClinVar aggregate classification (germline): Uncertain significance. Review status: criteria provided, multiple submitters, no conflicts (2 of 4 stars). 2 submissions from 2 submitters: Uncertain significance (2). Last evaluated 2025-05-15.

Conditions:
Inborn genetic diseases. Identifiers: MedGen C0950123, MeSH D030342.

gnomAD v4.1: 4 of 1,614,054 alleles (0.00025%); highest among the groups gnomAD compares: East Asian, 0.0022%; no homozygotes.

Submissions (2):

Labcorp Genetics (formerly Invitae), Labcorp
Classification: Uncertain significance. Last evaluated: 2025-05-15. Review status: criteria provided, single submitter. Criteria: Invitae Variant Classification Sherloc (09022015). Collection method: clinical testing. Allele origin: germline.
Comment: This sequence change replaces alanine, which is neutral and non-polar, with threonine, which is neutral and polar, at codon 356 of the ERCC6L2 protein (p.Ala356Thr). This variant is present in population databases (rs749099328, gnomAD 0.002%). This variant has not been reported in the literature in individuals affected with ERCC6L2-related conditions. ClinVar contains an entry for this variant (Variation ID: 3510027). Experimental studies and prediction algorithms are not available or were not evaluated, and the functional significance of this variant is currently unknown. In summary, the available evidence is currently insufficient to determine the role of this variant in disease. Therefore, it has been classified as a Variant of Uncertain Significance.

Ambry Genetics
Classification: Uncertain significance for Inborn genetic diseases. Last evaluated: 2024-12-08. Review status: criteria provided, single submitter. Criteria: Ambry Variant Classification Scheme 2023. Collection method: clinical testing. Allele origin: germline.
Comment: The p.A345T variant (also known as c.1033G>A), located in coding exon 6 of the ERCC6L2 gene, results from a G to A substitution at nucleotide position 1033. The alanine at codon 345 is replaced by threonine, an amino acid with similar properties. This amino acid position is conserved. In addition, this alteration is predicted to be deleterious by in silico analysis. Based on the available evidence, the clinical significance of this variant remains unclear.